The following is an entry in ClinVar:

ClinVar aggregate classification (germline): Uncertain significance. Review status: criteria provided, multiple submitters, no conflicts (2 of 4 stars). 4 submissions from 4 submitters: Uncertain significance (4). Last evaluated 2025-04-03.

Conditions:
Mandibular hypoplasia-deafness-progeroid syndrome. Also called: Mandibular hypoplasia, deafness, progeroid features, and lipodystrophy syndrome. Identifiers: Orphanet 363649, MedGen C3715192, MONDO:0014157, OMIM 615381.
POLD1-related polyposis and colorectal cancer syndrome (CRCS10). Also called: Colorectal cancer 10; COLORECTAL CANCER, SUSCEPTIBILITY TO, ON CHROMOSOME 19q; Colorectal cancer, susceptibility to, 10. Identifiers: Orphanet 220460, MedGen C2675481, MONDO:0012953, OMIM 612591.
Hereditary cancer-predisposing syndrome. Also called: Neoplastic Syndromes, Hereditary; Hereditary neoplastic syndrome; Tumor predisposition; Hereditary Cancer Syndrome. Identifiers: Orphanet 140162, MedGen C0027672, MeSH D009386, MONDO:0015356.

Allele frequency attached by ClinVar (database versions not stated): gnomAD 0.00001; TOPMed 0.00001.
gnomAD v4.1: 3 of 1,570,836 alleles (0.00019%); highest among the groups gnomAD compares: African/African-American, 0.004%; no homozygotes.

Submissions (4):

Ambry Genetics
Classification: Uncertain significance for Hereditary cancer-predisposing syndrome. Last evaluated: 2025-04-03. Review status: criteria provided, single submitter. Criteria: Ambry Variant Classification Scheme 2023. Collection method: clinical testing. Allele origin: germline.
Comment: The p.D920E variant (also known as c.2760C>G), located in coding exon 21 of the POLD1 gene, results from a C to G substitution at nucleotide position 2760. The aspartic acid at codon 920 is replaced by glutamic acid, an amino acid with highly similar properties. This amino acid position is conserved. In addition, this alteration is predicted to be tolerated by in silico analysis. Based on the available evidence, the clinical significance of this variant remains unclear.

Labcorp Genetics (formerly Invitae), Labcorp
Classification: Uncertain significance for POLD1-related polyposis and colorectal cancer syndrome. Last evaluated: 2025-03-03. Review status: criteria provided, single submitter. Criteria: Invitae Variant Classification Sherloc (09022015). Collection method: clinical testing. Allele origin: germline.
Comment: This sequence change replaces aspartic acid, which is acidic and polar, with glutamic acid, which is acidic and polar, at codon 920 of the POLD1 protein (p.Asp920Glu). This variant is present in population databases (no rsID available, gnomAD 0.01%). This variant has not been reported in the literature in individuals affected with POLD1-related conditions. ClinVar contains an entry for this variant (Variation ID: 469296). Invitae Evidence Modeling of protein sequence and biophysical properties (such as structural, functional, and spatial information, amino acid conservation, physicochemical variation, residue mobility, and thermodynamic stability) indicates that this missense variant is not expected to disrupt POLD1 protein function with a negative predictive value of 80%. In summary, the available evidence is currently insufficient to determine the role of this variant in disease. Therefore, it has been classified as a Variant of Uncertain Significance.

GeneDx
Classification: Uncertain significance. Last evaluated: 2024-03-18. Review status: criteria provided, single submitter. Criteria: GeneDx Variant Classification Process June 2021. Collection method: clinical testing. Allele origin: germline. Affected: yes.
Comment: Not observed at significant frequency in large population cohorts (gnomAD); In silico analysis supports that this missense variant has a deleterious effect on protein structure/function; Has not been previously published as pathogenic or benign to our knowledge

Fulgent Genetics
Classification: Uncertain significance for POLD1-related polyposis and colorectal cancer syndrome; Mandibular hypoplasia-deafness-progeroid syndrome. Last evaluated: 2018-10-31. Review status: criteria provided, single submitter. Criteria: ACMG Guidelines, 2015. Collection method: clinical testing. Allele origin: unknown.

NM_002691.4(POLD1):c.2760C>G (p.Asp920Glu)

Gene: POLD1 (DNA polymerase delta 1, catalytic subunit; plus strand). Cytogenetic location: 19q13.33.
Variant type: single nucleotide variant.
Coding change: c.2760C>G on transcript NM_002691.4 (MANE Select); coding-DNA position 2760, C replaced by G.
Protein change: p.Asp920Glu; replaces aspartic acid 920 with glutamic acid.
Molecular consequence: missense variant.
Genome position (GRCh38, 1-based): chr19:50,415,766, C>G. VCF-style: chr19-50415766-C-G. GRCh37 (hg19) VCF-style: chr19-50919023-C-G.
Other names: c.2838C>G, p.Asp946Glu (LRG_785t2, NM_001308632.1); c.2760C>G, p.Asp920Glu (LRG_785t1, NM_001256849.1); short protein forms D920E, D946E.
Identifiers: ClinVar variation 469296 (VCV000469296.14), dbSNP rs1057521209, ClinGen allele CA406985941.